The following is an entry in ClinVar:

NM_000138.5(FBN1):c.657C>A (p.His219Gln)

Gene: FBN1 (fibrillin 1; minus strand). Cytogenetic location: 15q21.1.
Variant type: single nucleotide variant.
Coding change: c.657C>A on transcript NM_000138.5 (MANE Select); coding-DNA position 657, C replaced by A.
Protein change: p.His219Gln; replaces histidine 219 with glutamine.
Molecular consequence: missense variant.
Genome position (GRCh38, 1-based): chr15:48,537,690, G>T on the plus strand (C>A on the coding strand, the complement: FBN1 is on the minus strand). VCF-style: chr15-48537690-G-T. GRCh37 (hg19) VCF-style: chr15-48829887-G-T.
Other names: c.657C>A, p.His219Gln (NM_001406716.1, NM_001406717.1); short protein forms H219Q.
Identifiers: ClinVar variation 2924164 (VCV002924164.3), dbSNP rs774754863, ClinGen allele CA057013.
Genomic context (GRCh38, chr15:48,537,690, plus strand): 5'-GATATTTGGAATGAAGCCACGGCGGCAGGGGTGAGGCTGGGCAGGACACATCTCACAGGG[G>T]TGGCCCCAGGCTCGGCCGACTGTGGCACAGCAGAGCGTTTTTGTGCAGACAATCCCGCTG-3'
Protein context (NP_000129.3, residues 209-229): CCATVGRAWG[His219Gln]PCEMCPAQPH

ClinVar aggregate classification (germline): Uncertain significance (1 of 4 stars; one submission).

Conditions:
Marfan syndrome (MFS). Also called: MARFAN SYNDROME, TYPE I; Marfan syndrome type 1; Marfan's syndrome; Marfan syndrome, classic; FBN1-Related Marfan Syndrome. Identifiers: Orphanet 284963, Orphanet 558, MedGen C0024796, MONDO:0007947, OMIM 154700.
Familial thoracic aortic aneurysm and aortic dissection (TAAD). Also called: Thoracic aortic aneurysms and dissections. Identifiers: Orphanet 91387, MedGen C4707243, MONDO:0019625.

gnomAD v4.1: 3 of 1,614,228 alleles (0.00019%); highest among the groups gnomAD compares: African/African-American, 0.0013%; no homozygotes.

Submission:

Labcorp Genetics (formerly Invitae), Labcorp
Classification: Uncertain significance for Marfan syndrome; Familial thoracic aortic aneurysm and aortic dissection. Last evaluated: 2025-04-10. Review status: criteria provided, single submitter. Criteria: Invitae Variant Classification Sherloc (09022015). Collection method: clinical testing. Allele origin: germline.
Comment: This sequence change replaces histidine, which is basic and polar, with glutamine, which is neutral and polar, at codon 219 of the FBN1 protein (p.His219Gln). This variant is present in population databases (rs774754863, gnomAD 0.007%). This missense change has been observed in individual(s) with clinical history of thoracic aortic aneurysms and/or dissections (PMID: 22772377). ClinVar contains an entry for this variant (Variation ID: 2924164). Invitae Evidence Modeling of protein sequence and biophysical properties (such as structural, functional, and spatial information, amino acid conservation, physicochemical variation, residue mobility, and thermodynamic stability) indicates that this missense variant is expected to disrupt FBN1 protein function with a positive predictive value of 95%. In summary, the available evidence is currently insufficient to determine the role of this variant in disease. Therefore, it has been classified as a Variant of Uncertain Significance.

Literature cited by the submitters: PubMed 22772377.